The following is an entry in ClinVar:

NM_006516.4(SLC2A1):c.1330TTC[1] (p.Phe445del)

Gene: SLC2A1 (solute carrier family 2 member 1; minus strand). Cytogenetic location: 1p34.2.
Variant type: Microsatellite.
Coding change: c.1330TTC[1] on transcript NM_006516.4 (MANE Select); one copy of the 3-base unit TTC starting at c.1330; the reference has two copies in a row; one copy, 3 bases deleted; also written c.1333_1335del.
Protein change: p.Phe445del; deletes phenylalanine 445.
Molecular consequence: inframe deletion. On other transcripts: inframe indel (1).
Genome position (GRCh38, 1-based): chr1:42,927,185-42,927,187, GAA deleted on the plus strand (TTC on the coding strand, the reverse complement: SLC2A1 is on the minus strand); deleting any 3 consecutive bases within chr1:42,927,185-42,927,190 gives the same sequence; the position shown is the placement nearest the transcript's 3' end. VCF-style (leftmost placement, unchanged base first): chr1-42927184-TGAA-T. GRCh37 (hg19) VCF-style: chr1-43392855-TGAA-T.
Other names: c.1330_1332TTC[1], p.Phe445del (NM_006516.3); c.1333_1335del (NM_006516.3); short protein forms F445del.
Identifiers: ClinVar variation 2579311 (VCV002579311.2), dbSNP rs2524982356, ClinGen allele CA2580617970.

ClinVar aggregate classification (germline): Conflicting classifications of pathogenicity. Review status: criteria provided, conflicting classifications (1 of 4 stars). 2 submissions from 2 submitters: Pathogenic (1); Uncertain significance (1). Last evaluated 2024-09-22.

Submissions (2):

Revvity Omics, Revvity
Classification: Uncertain significance. Last evaluated: 2024-09-22. Review status: criteria provided, single submitter. Criteria: ACMG Guidelines, 2015. Collection method: clinical testing. Allele origin: germline.

GeneDx
Classification: Pathogenic. Last evaluated: 2023-09-11. Review status: criteria provided, single submitter. Criteria: GeneDx Variant Classification Process June 2021. Collection method: clinical testing. Allele origin: germline. Affected: yes.
Comment: In-frame deletion of 1 amino acid in a non-repeat region; Not observed at significant frequency in large population cohorts (gnomAD); In silico analysis supports a deleterious effect on protein structure/function; Has not been previously published as pathogenic or benign to our knowledge